The following is an entry in ClinVar:

NM_001145860.2(POP1):c.460C>T (p.Arg154Trp)

Gene: POP1 (POP1 ribonuclease P/MRP subunit; plus strand). Cytogenetic location: 8q22.2.
Variant type: single nucleotide variant.
Coding change: c.460C>T on transcript NM_001145860.2 (MANE Select); coding-DNA position 460, C replaced by T.
Protein change: p.Arg154Trp; replaces arginine 154 with tryptophan.
Molecular consequence: missense variant.
Genome position (GRCh38, 1-based): chr8:98,128,514, C>T. VCF-style: chr8-98128514-C-T. GRCh37 (hg19) VCF-style: chr8-99140742-C-T.
Other names: c.460C>T, p.Arg154Trp (NM_001145861.2, NM_015029.3); short protein forms R154W.
Identifiers: ClinVar variation 3719037 (VCV003719037.2).

ClinVar aggregate classification (germline): Uncertain significance. Review status: criteria provided, multiple submitters, no conflicts (2 of 4 stars). 2 submissions from 2 submitters: Uncertain significance (2). Last evaluated 2024-06-10.

Submissions (2):

Labcorp Genetics (formerly Invitae), Labcorp
Classification: Uncertain significance. Last evaluated: 2024-06-10. Review status: criteria provided, single submitter. Criteria: Invitae Variant Classification Sherloc (09022015). Collection method: clinical testing. Allele origin: germline.
Comment: This sequence change replaces arginine, which is basic and polar, with tryptophan, which is neutral and slightly polar, at codon 154 of the POP1 protein (p.Arg154Trp). This variant is present in population databases (rs543231842, gnomAD 0.007%). This variant has not been reported in the literature in individuals affected with POP1-related conditions. An algorithm developed to predict the effect of missense changes on protein structure and function (PolyPhen-2) suggests that this variant is likely to be disruptive. In summary, the available evidence is currently insufficient to determine the role of this variant in disease. Therefore, it has been classified as a Variant of Uncertain Significance.

Blueprint Genetics
Classification: Uncertain significance. Last evaluated: 2020-01-28. Review status: criteria provided, single submitter. Criteria: ACMG Guidelines, 2015. Collection method: clinical testing. Allele origin: germline.